The following is an entry in ClinVar:

NC_012920.1(MT-ND2):m.5095T>C

Gene: MT-ND2 (mitochondrially encoded NADH dehydrogenase 2; plus strand).
Variant type: single nucleotide variant.
Genome position: chrM-5095-T-C.
Identifiers: ClinVar variation 692546 (VCV000692546.1), dbSNP rs1556422950, ClinGen allele CA414778861.

ClinVar aggregate classification (germline): Likely benign (1 of 4 stars; one submission).

Conditions:
Leigh syndrome (NULS). Also called: Leigh's necrotizing encephalopathy; Leigh's disease; Leigh Syndrome (mtDNA deletion); Leigh Disease; Subacute necrotizing encephalopathy; Necrotizing encephalopathy infantile subacute of Leigh. Identifiers: Orphanet 506, MedGen C2931891, MONDO:0009723, OMIM 256000.

Submission:

Wong Mito Lab, Molecular and Human Genetics, Baylor College of Medicine
Classification: Likely benign for Leigh syndrome. Last evaluated: 2019-10-17. Review status: criteria provided, single submitter. Criteria: Modified ACMG Guidelines (Unpublished). Collection method: clinical testing. Allele origin: germline.
Comment: The NC_012920.1:m.5095T>C (YP_003024027.1:p.Ile209Thr) variant in MTND2 gene is interpretated to be a Likely Benign variant based on the modified ACMG guidelines (unpublished). This variant meets the following evidence codes: BS1, BP6

Literature cited by the submitters: PubMed 28187756.